The following is an entry in ClinVar:

ClinVar aggregate classification (germline): Uncertain significance. Review status: criteria provided, multiple submitters, no conflicts (2 of 4 stars). 2 submissions from 2 submitters: Uncertain significance (2). Last evaluated 2024-08-31.

gnomAD v4.1: 1 of 1,614,152 alleles (0.000062%); highest among the groups gnomAD compares: Non-Finnish European, 0.000085%; no homozygotes.

Submissions (2):

Labcorp Genetics (formerly Invitae), Labcorp
Classification: Uncertain significance. Last evaluated: 2024-08-31. Review status: criteria provided, single submitter. Criteria: Invitae Variant Classification Sherloc (09022015). Collection method: clinical testing. Allele origin: germline.
Comment: This sequence change replaces valine, which is neutral and non-polar, with leucine, which is neutral and non-polar, at codon 2454 of the FAT2 protein (p.Val2454Leu). This variant is not present in population databases (gnomAD no frequency). This variant has not been reported in the literature in individuals affected with FAT2-related conditions. Invitae Evidence Modeling of protein sequence and biophysical properties (such as structural, functional, and spatial information, amino acid conservation, physicochemical variation, residue mobility, and thermodynamic stability) indicates that this missense variant is not expected to disrupt FAT2 protein function with a negative predictive value of 80%. In summary, the available evidence is currently insufficient to determine the role of this variant in disease. Therefore, it has been classified as a Variant of Uncertain Significance.

Blueprint Genetics
Classification: Uncertain significance. Last evaluated: 2020-09-28. Review status: criteria provided, single submitter. Criteria: ACMG Guidelines, 2015. Collection method: clinical testing. Allele origin: germline.

NM_001447.3(FAT2):c.7360G>T (p.Val2454Leu)

Genes: FAT2 (FAT atypical cadherin 2; minus strand), SLC36A1 (solute carrier family 36 member 1; plus strand). Cytogenetic location: 5q33.1.
Variant type: single nucleotide variant.
Coding change: c.7360G>T on transcript NM_001447.3 (MANE Select); coding-DNA position 7360, G replaced by T.
Protein change: p.Val2454Leu; replaces valine 2454 with leucine.
Molecular consequence: missense variant.
Genome position (GRCh38, 1-based): chr5:151,543,767, C>A on the plus strand (G>T on the coding strand, the complement: FAT2 is on the minus strand). VCF-style: chr5-151543767-C-A. GRCh37 (hg19) VCF-style: chr5-150923328-C-A.
Other names: short protein forms V2454L.
Identifiers: ClinVar variation 3702418 (VCV003702418.3).